The following is an entry in ClinVar:

NM_020949.3(SLC7A14):c.1006T>C (p.Phe336Leu)

Genes: SLC7A14 (solute carrier family 7 member 14; minus strand), SLC7A14-AS1 (SLC7A14 antisense RNA 1; plus strand). Cytogenetic location: 3q26.2.
Variant type: single nucleotide variant.
Coding change: c.1006T>C on transcript NM_020949.3 (MANE Select); coding-DNA position 1006, T replaced by C.
Protein change: p.Phe336Leu; replaces phenylalanine 336 with leucine.
Molecular consequence: missense variant.
Genome position (GRCh38, 1-based): chr3:170,483,423, A>G on the plus strand (T>C on the coding strand, the complement: SLC7A14 is on the minus strand). VCF-style: chr3-170483423-A-G. GRCh37 (hg19) VCF-style: chr3-170201212-A-G.
Other names: short protein forms F336L.
Identifiers: ClinVar variation 853441 (VCV000853441.10), dbSNP rs1030217689, ClinGen allele CA87712620.

ClinVar aggregate classification (germline): Uncertain significance. Review status: criteria provided, multiple submitters, no conflicts (2 of 4 stars). 2 submissions from 2 submitters: Uncertain significance (2). Last evaluated 2022-09-28.

Allele frequency attached by ClinVar (database versions not stated): gnomAD 0.00002; TOPMed 0.00002.

Submissions (2):

Blueprint Genetics
Classification: Uncertain significance. Last evaluated: 2022-09-28. Review status: criteria provided, single submitter. Criteria: ACMG Guidelines, 2015. Collection method: clinical testing. Allele origin: germline.

Labcorp Genetics (formerly Invitae), Labcorp
Classification: Uncertain significance. Last evaluated: 2020-02-22. Review status: criteria provided, single submitter. Criteria: Invitae Variant Classification Sherloc (09022015). Collection method: clinical testing. Allele origin: germline.
Comment: In summary, the available evidence is currently insufficient to determine the role of this variant in disease. Therefore, it has been classified as a Variant of Uncertain Significance. Algorithms developed to predict the effect of missense changes on protein structure and function (SIFT, PolyPhen-2, Align-GVGD) all suggest that this variant is likely to be tolerated, but these predictions have not been confirmed by published functional studies and their clinical significance is uncertain. This variant has not been reported in the literature in individuals with SLC7A14-related conditions. This variant is not present in population databases (ExAC no frequency). This sequence change replaces phenylalanine with leucine at codon 336 of the SLC7A14 protein (p.Phe336Leu). The phenylalanine residue is moderately conserved and there is a small physicochemical difference between phenylalanine and leucine.